The following is an entry in ClinVar:

NM_006045.3(ATP9A):c.842G>A (p.Arg281Gln)

Gene: ATP9A (ATPase phospholipid transporting 9A; minus strand). Cytogenetic location: 20q13.2.
Variant type: single nucleotide variant.
Coding change: c.842G>A on transcript NM_006045.3 (MANE Select); coding-DNA position 842, G replaced by A.
Protein change: p.Arg281Gln; replaces arginine 281 with glutamine.
Molecular consequence: missense variant.
Genome position (GRCh38, 1-based): chr20:51,676,166, C>T on the plus strand (G>A on the coding strand, the complement: ATP9A is on the minus strand). VCF-style: chr20-51676166-C-T. GRCh37 (hg19) VCF-style: chr20-50292705-C-T.
Other names: short protein forms R281Q.
Identifiers: ClinVar variation 5032393 (VCV005032393.1).

ClinVar aggregate classification (germline): Uncertain significance (1 of 4 stars; one submission).

Conditions:
Inborn genetic diseases. Identifiers: MedGen C0950123, MeSH D030342.

gnomAD v4.1: 5 of 1,612,380 alleles (0.00031%); highest among the groups gnomAD compares: African/African-American, 0.0013%; no homozygotes.

Submission:

Ambry Genetics
Classification: Uncertain significance for Inborn genetic diseases. Last evaluated: 2026-09-11. Review status: criteria provided, single submitter. Criteria: Ambry Variant Classification Scheme 2023. Collection method: clinical testing. Allele origin: germline.
Comment: The c.842G>A (p.R281Q) alteration is located in exon 10 (coding exon 10) of the ATP9A gene. This alteration results from a G to A substitution at nucleotide position 842, causing the arginine (R) at amino acid position 281 to be replaced by a glutamine (Q). Based on data from gnomAD, the A allele has an overall frequency of 0.001% (2/251164) total alleles studied. The highest observed frequency was 0.006% (1/16236) of African alleles. Based on insufficient or conflicting evidence, the clinical significance of this alteration remains unclear.